The following is an entry in ClinVar:

ClinVar aggregate classification (germline): Likely pathogenic (1 of 4 stars; one submission).

Conditions:
Dilated cardiomyopathy 1G (CMD1G). Identifiers: Orphanet 154, MedGen C1858763, MONDO:0011400, OMIM 604145.
Autosomal recessive limb-girdle muscular dystrophy type 2J (LGMDR10). Also called: Limb-girdle muscular dystrophy, type 2J; MUSCULAR DYSTROPHY, LIMB-GIRDLE, AUTOSOMAL RECESSIVE 10. Identifiers: Orphanet 140922, MedGen C1837342, MONDO:0012127, OMIM 608807.

Submission:

Labcorp Genetics (formerly Invitae), Labcorp
Classification: Likely pathogenic for Dilated cardiomyopathy 1G; Autosomal recessive limb-girdle muscular dystrophy type 2J. Last evaluated: 2023-12-06. Review status: criteria provided, single submitter. Criteria: Invitae Variant Classification Sherloc (09022015). Collection method: clinical testing. Allele origin: germline.
Comment: This sequence change creates a premature translational stop signal (p.Ile33832Asnfs*7) in the TTN gene. While this is not anticipated to result in nonsense mediated decay, it is expected to create a truncated TTN protein. This variant is not present in population databases (gnomAD no frequency). This premature translational stop signal has been observed in individual(s) with dilated cardiomyopathy (Invitae). ClinVar contains an entry for this variant (Variation ID: 1511732). This variant is located in the M band of TTN (PMID: 25589632). Truncating variants in this region have been previously reported in individuals affected with autosomal recessive myopathy and muscular dystrophy (PMID: 18948003, 23975875, 24395473). Truncating variants in this region have also been identified in individuals affected with autosomal dominant dilated cardiomyopathy and/or cardio-related conditions (PMID: 27869827, 32964742). In summary, the currently available evidence indicates that the variant is pathogenic, but additional data are needed to prove that conclusively. Therefore, this variant has been classified as Likely Pathogenic.

Literature cited by the submitters: PubMed 25589632; PubMed 18948003; PubMed 23975875; PubMed 24395473; PubMed 27869827; PubMed 32964742.

NM_001267550.2(TTN):c.101494dup (p.Ile33832fs)

Genes: TTN (titin; minus strand), TTN-AS1 (TTN antisense RNA 1; plus strand). Cytogenetic location: 2q31.2.
Variant type: Duplication.
Coding change: c.101494dup on transcript NM_001267550.2 (MANE Select); coding-DNA position 101494, one base duplicated (A; older notation c.101494dupA).
Protein change: p.Ile33832fs; shifts the reading frame from isoleucine 33832.
Molecular consequence: frameshift variant.
Genome position (GRCh38, 1-based): chr2:178,535,121, T duplicated on the plus strand (A on the coding strand, the reverse complement: TTN is on the minus strand); the first of 2 consecutive T bases (chr2:178,535,121-178,535,122); duplicating either gives the same sequence. VCF-style (leftmost placement, unchanged base first): chr2-178535120-A-AT. GRCh37 (hg19) VCF-style: chr2-179399847-A-AT.
Other names: c.96571dup, p.Ile32191fs (NM_001256850.1); c.74299dup, p.Ile24767fs (NM_003319.4); c.93790dup, p.Ile31264fs (NM_133378.4); c.74674dup, p.Ile24892fs (NM_133432.3); c.74875dup, p.Ile24959fs (NM_133437.4); short protein forms I31264fs, I24959fs, I33832fs, I24767fs, I24892fs, I32191fs.
Identifiers: ClinVar variation 1511732 (VCV001511732.6), dbSNP rs1559044465, ClinGen allele CA2573134108.